The following is an entry in ClinVar:

NM_015040.4(PIKFYVE):c.2087G>A (p.Ser696Asn)

Gene: PIKFYVE (phosphoinositide kinase, FYVE-type zinc finger containing; plus strand). Cytogenetic location: 2q34.
Variant type: single nucleotide variant.
Coding change: c.2087G>A on transcript NM_015040.4 (MANE Select); coding-DNA position 2087, G replaced by A.
Protein change: p.Ser696Asn; replaces serine 696 with asparagine.
Molecular consequence: missense variant.
Genome position (GRCh38, 1-based): chr2:208,320,256, G>A. VCF-style: chr2-208320256-G-A. GRCh37 (hg19) VCF-style: chr2-209184980-G-A.
Other names: short protein forms S696N.
Identifiers: ClinVar variation 333897 (VCV000333897.15), dbSNP rs10932258, ClinGen allele CA2079746.

ClinVar aggregate classification (germline): Benign. Review status: criteria provided, multiple submitters, no conflicts (2 of 4 stars). 4 submissions from 4 submitters: Benign (4). Last evaluated 2026-02-01.

Conditions:
Fleck corneal dystrophy (CFD). Also called: CORNEAL DYSTROPHY, FRANCOIS-NEETENS SPECKLED OR FLECKED. Identifiers: Orphanet 98970, MedGen C1562113, MONDO:0007376, OMIM 121850.

Allele frequency attached by ClinVar (database versions not stated): 1000 Genomes Project 30x 0.99126; 1000 Genomes Project 0.99181; ESP Exome Variant Server 0.99215; TOPMed 0.99232; gnomAD 0.99262 and 0.99307; ExAC 0.99769; gnomAD exomes 0.99816 and 0.99931.
gnomAD v4.1: 1,608,723 of 1,610,828 alleles (100%); highest among the groups gnomAD compares: East Asian, 100%; 803,335 homozygotes.

Submissions (4):

Labcorp Genetics (formerly Invitae), Labcorp
Classification: Benign. Last evaluated: 2026-02-01. Review status: criteria provided, single submitter. Criteria: Invitae Variant Classification Sherloc (09022015). Collection method: clinical testing. Allele origin: germline.

Genome-Nilou Lab
Classification: Benign for Fleck corneal dystrophy. Last evaluated: 2021-09-05. Review status: criteria provided, single submitter. Criteria: ACMG Guidelines, 2015. Collection method: clinical testing. Allele origin: germline. Affected: no.

Illumina Laboratory Services, Illumina
Classification: Benign for Fleck corneal dystrophy. Last evaluated: 2018-01-13. Review status: criteria provided, single submitter. Criteria: ICSL Variant Classification Criteria 13 December 2019. Collection method: clinical testing. Allele origin: germline.
Comment: This variant was observed in the ICSL laboratory as part of a predisposition screen in an ostensibly healthy population. It had not been previously curated by ICSL or reported in the Human Gene Mutation Database (HGMD: prior to June 1st, 2018), and was therefore a candidate for classification through an automated scoring system. Utilizing variant allele frequency, disease prevalence and penetrance estimates, and inheritance mode, an automated score was calculated to assess if this variant is too frequent to cause the disease. Based on the score and internal cut-off values, a variant classified as benign is not then subjected to further curation. The score for this variant resulted in a classification of benign for this disease.

Breakthrough Genomics
Classification: Benign. Review status: criteria provided, single submitter. Criteria: ACMG Guidelines, 2015. Collection method: not provided. Allele origin: germline. Inheritance: Autosomal dominant inheritance. Affected: yes.